The following is an entry in ClinVar:

ClinVar aggregate classification (germline): Uncertain significance. Review status: criteria provided, multiple submitters, no conflicts (2 of 4 stars). 3 submissions from 3 submitters: Uncertain significance (3). Last evaluated 2024-11-28.

Conditions:
Inborn genetic diseases. Identifiers: MedGen C0950123, MeSH D030342.
Hereditary spastic paraplegia 15 (SPG15). Also called: SPASTIC PARAPLEGIA AND RETINAL DEGENERATION; KJELLIN SYNDROME; SPASTIC PARAPLEGIA 15, AUTOSOMAL RECESSIVE. Identifiers: Orphanet 100996, MedGen C1849128, MONDO:0010044, OMIM 270700.
Spastic paraplegia. Identifiers: MedGen C0037772, HP:0001258.

Allele frequency attached by ClinVar (database versions not stated): gnomAD exomes 0.00002 and 0.00009; ExAC 0.00003; gnomAD 0.00007; TOPMed 0.00007.
gnomAD v4.1: 134 of 1,614,066 alleles (0.0083%); highest among the groups gnomAD compares: Non-Finnish European, 0.011%; no homozygotes.

Submissions (3):

Ambry Genetics
Classification: Uncertain significance for Inborn genetic diseases. Last evaluated: 2024-11-28. Review status: criteria provided, single submitter. Criteria: Ambry Variant Classification Scheme 2023. Collection method: clinical testing. Allele origin: germline.

Fulgent Genetics
Classification: Uncertain significance for Hereditary spastic paraplegia 15. Last evaluated: 2024-04-25. Review status: criteria provided, single submitter. Criteria: ACMG Guidelines, 2015. Collection method: clinical testing. Allele origin: germline.

Labcorp Genetics (formerly Invitae), Labcorp
Classification: Uncertain significance for Spastic paraplegia. Last evaluated: 2022-08-03. Review status: criteria provided, single submitter. Criteria: Invitae Variant Classification Sherloc (09022015). Collection method: clinical testing. Allele origin: germline.
Comment: This sequence change replaces arginine, which is basic and polar, with tryptophan, which is neutral and slightly polar, at codon 2083 of the ZFYVE26 protein (p.Arg2083Trp). This variant is present in population databases (rs771396332, gnomAD 0.004%). This variant has not been reported in the literature in individuals affected with ZFYVE26-related conditions. ClinVar contains an entry for this variant (Variation ID: 650664). Algorithms developed to predict the effect of missense changes on protein structure and function are either unavailable or do not agree on the potential impact of this missense change (SIFT: "Deleterious"; PolyPhen-2: "Probably Damaging"; Align-GVGD: "Class C0"). In summary, the available evidence is currently insufficient to determine the role of this variant in disease. Therefore, it has been classified as a Variant of Uncertain Significance.

NM_015346.4(ZFYVE26):c.6247C>T (p.Arg2083Trp)

Gene: ZFYVE26 (zinc finger FYVE-type containing 26; minus strand). Cytogenetic location: 14q24.1.
Variant type: single nucleotide variant.
Coding change: c.6247C>T on transcript NM_015346.4 (MANE Select); coding-DNA position 6247, C replaced by T.
Protein change: p.Arg2083Trp; replaces arginine 2083 with tryptophan.
Molecular consequence: missense variant.
Genome position (GRCh38, 1-based): chr14:67,762,325, G>A on the plus strand (C>T on the coding strand, the complement: ZFYVE26 is on the minus strand). VCF-style: chr14-67762325-G-A. GRCh37 (hg19) VCF-style: chr14-68229042-G-A.
Other names: short protein forms R2083W.
Identifiers: ClinVar variation 650664 (VCV000650664.5), dbSNP rs771396332, ClinGen allele CA7239274.
Genomic context (GRCh38, chr14:67,762,325, plus strand): 5'-AGCCATGATTCAGCTGATTGAGGTCAAATGGGGGCTTCAGACAGCGACTGAACTTCTCCC[G>A]TGCAGCAGTGAGGTTCCCGGCTTTGAGGCAGGCCATGCCCCAAGCATGCCACGCCCCGGT-3'
Protein context (NP_056161.2, residues 2073-2093): CLKAGNLTAA[Arg2083Trp]EKFSRCLKPP